The following is an entry in ClinVar:

ClinVar aggregate classification (germline): Uncertain significance (1 of 4 stars; one submission).

Conditions:
Hypertrophic cardiomyopathy 2. Also called: TNNT2-Related Familial Hypertrophic Cardiomyopathy. Identifiers: MedGen C1861864, MONDO:0007266, OMIM 115195.
Cardiomyopathy, familial restrictive, 3. Identifiers: Orphanet 75249, MedGen C2676271, MONDO:0012900, OMIM 612422.
Dilated cardiomyopathy 1D. Identifiers: Orphanet 154, Orphanet 54260, MedGen C1832243, MONDO:0011095, OMIM 601494.

gnomAD v4.1: 1 of 1,614,100 alleles (0.000062%); highest among the groups gnomAD compares: South Asian, 0.0011%; no homozygotes.

Submission:

Labcorp Genetics (formerly Invitae), Labcorp
Classification: Uncertain significance for Cardiomyopathy, familial restrictive, 3; Hypertrophic cardiomyopathy 2; Dilated cardiomyopathy 1D. Last evaluated: 2024-02-23. Review status: criteria provided, single submitter. Criteria: Invitae Variant Classification Sherloc (09022015). Collection method: clinical testing. Allele origin: germline.
Comment: This sequence change replaces glutamic acid, which is acidic and polar, with glutamine, which is neutral and polar, at codon 39 of the TNNT2 protein (p.Glu39Gln). This variant is not present in population databases (gnomAD no frequency). This variant has not been reported in the literature in individuals affected with TNNT2-related conditions. Advanced modeling of protein sequence and biophysical properties (such as structural, functional, and spatial information, amino acid conservation, physicochemical variation, residue mobility, and thermodynamic stability) performed at Invitae indicates that this missense variant is expected to disrupt TNNT2 protein function with a positive predictive value of 95%. In summary, the available evidence is currently insufficient to determine the role of this variant in disease. Therefore, it has been classified as a Variant of Uncertain Significance.

NM_001276345.2(TNNT2):c.145G>C (p.Glu49Gln)

Gene: TNNT2 (troponin T2, cardiac type; minus strand). Cytogenetic location: 1q32.1.
Variant type: single nucleotide variant.
Coding change: c.145G>C on transcript NM_001276345.2 (MANE Select); coding-DNA position 145, G replaced by C.
Protein change: p.Glu49Gln; replaces glutamic acid 49 with glutamine.
Molecular consequence: missense variant.
Genome position (GRCh38, 1-based): chr1:201,368,180, C>G on the plus strand (G>C on the coding strand, the complement: TNNT2 is on the minus strand). VCF-style: chr1-201368180-C-G. GRCh37 (hg19) VCF-style: chr1-201337308-C-G.
Other names: c.145G>C, p.Glu49Gln (NM_000364.4, NM_001276346.2, NM_001406723.1); c.115G>C, p.Glu39Gln (NM_001001430.3, NM_001001431.3, NM_001276347.2 and 4 more transcripts); c.100G>C, p.Glu34Gln (NM_001001432.3, NM_001406728.1); short protein forms E34Q, E39Q, E49Q.
Identifiers: ClinVar variation 3749001 (VCV003749001.2).